The following is an entry in ClinVar:

ClinVar aggregate classification (germline): Uncertain significance (1 of 4 stars; one submission).

Conditions:
Tuberous sclerosis 2 (TSC2). Identifiers: Orphanet 805, MedGen C1860707, MONDO:0013199, OMIM 613254.

Submission:

Labcorp Genetics (formerly Invitae), Labcorp
Classification: Uncertain significance for Tuberous sclerosis 2. Last evaluated: 2019-10-30. Review status: criteria provided, single submitter. Criteria: Invitae Variant Classification Sherloc (09022015). Collection method: clinical testing. Allele origin: germline.
Comment: In summary, the available evidence is currently insufficient to determine the role of this variant in disease. Therefore, it has been classified as a Variant of Uncertain Significance. Algorithms developed to predict the effect of missense changes on protein structure and function are either unavailable or do not agree on the potential impact of this missense change (SIFT: "Deleterious"; PolyPhen-2: "Not Available"; Align-GVGD: "Class C25"). This variant has not been reported in the literature in individuals with TSC2-related conditions. This variant is reported as two separate entries in the ExAC population database (c.990G>A, 0.006% and c.991A>T, no frequency). This sequence change replaces asparagine with tyrosine at codon 331 of the TSC2 protein (p.Asn331Tyr). The asparagine residue is highly conserved and there is a large physicochemical difference between asparagine and tyrosine.

NM_000548.5(TSC2):c.990_991delinsAT (p.Asn331Tyr)

Gene: TSC2 (TSC complex subunit 2; plus strand). Cytogenetic location: 16p13.3.
Variant type: Indel.
Coding change: c.990_991delinsAT on transcript NM_000548.5 (MANE Select); coding-DNA positions 990 to 991, GA replaced by AT.
Protein change: p.Asn331Tyr; replaces asparagine 331 with tyrosine.
Molecular consequence: missense variant.
Genome position (GRCh38, 1-based): chr16:2,060,684-2,060,685, GA replaced by AT. VCF-style: chr16-2060684-GA-AT. GRCh37 (hg19) VCF-style: chr16-2110685-GA-AT.
Other names: c.990_991delinsAT, p.Asn331Tyr (NM_001077183.3, NM_001114382.3, NM_001363528.2 and 3 more transcripts); c.879_880delinsAT, p.Asn294Tyr (NM_001318827.2); c.843_844delinsAT, p.Asn282Tyr (NM_001318829.2); c.390_391delinsAT, p.Asn131Tyr (NM_001318831.2); c.1023_1024delinsAT, p.Asn342Tyr (NM_001318832.2); short protein forms N131Y, N282Y, N294Y, N331Y, N342Y.
Identifiers: ClinVar variation 955746 (VCV000955746.8), dbSNP rs2086518981, ClinGen allele CA1139664335.